The following is an entry in ClinVar:

NM_002936.6(RNASEH1):c.51C>T (p.Pro17=)

Genes: RNASEH1 (ribonuclease H1; minus strand), LOC129933002 (ATAC-STARR-seq lymphoblastoid active region 15231; plus strand). Cytogenetic location: 2p25.3.
Variant type: single nucleotide variant.
Coding change: c.51C>T on transcript NM_002936.6 (MANE Select); coding-DNA position 51, C replaced by T.
Protein change: p.Pro17=; no amino-acid change (proline 17 retained).
Molecular consequence: synonymous variant. On other transcripts: 5 prime UTR variant (2), non-coding transcript variant (7).
Genome position (GRCh38, 1-based): chr2:3,558,210, G>A on the plus strand (C>T on the coding strand, the complement: RNASEH1 is on the minus strand). VCF-style: chr2-3558210-G-A. GRCh37 (hg19) VCF-style: chr2-3605800-G-A.
Other names: c.-28C>T (NM_001286834.3); c.-539C>T (NM_001286837.3); c.51C>T, p.Pro17= (NM_001378271.1, NM_001378272.1, NM_001378273.1).
Identifiers: ClinVar variation 741378 (VCV000741378.25), dbSNP rs142681516, ClinGen allele CA1516452.

ClinVar aggregate classification (germline): Likely benign. Review status: criteria provided, multiple submitters, no conflicts (2 of 4 stars). 2 submissions from 2 submitters: Likely benign (2). Last evaluated 2026-01-15.

Allele frequency attached by ClinVar (database versions not stated): TOPMed 0.00023; gnomAD exomes 0.00025; gnomAD 0.00029; ESP Exome Variant Server 0.00047; ExAC 0.00049.
gnomAD v4.1: 566 of 1,600,700 alleles (0.035%); highest among the groups gnomAD compares: Non-Finnish European, 0.042%; 1 homozygote.

Submissions (2):

Labcorp Genetics (formerly Invitae), Labcorp
Classification: Likely benign. Last evaluated: 2026-01-15. Review status: criteria provided, single submitter. Criteria: Invitae Variant Classification Sherloc (09022015). Collection method: clinical testing. Allele origin: germline.

CeGaT Center for Human Genetics Tuebingen
Classification: Likely benign. Last evaluated: 2024-07-01. Review status: criteria provided, single submitter. Criteria: CeGaT Center For Human Genetics Tuebingen Variant Classification Criteria Version 2. Collection method: clinical testing. Allele origin: germline. Affected: yes. Observed: 1 variant allele.
Comment: RNASEH1: BP4, BP7